The following is an entry in ClinVar:

ClinVar aggregate classification (germline): Uncertain significance (1 of 4 stars; one submission).

gnomAD v4.1: 19 of 1,549,616 alleles (0.0012%); highest among the groups gnomAD compares: Admixed American, 0.002%; no homozygotes.

Submission:

GeneDx
Classification: Uncertain significance. Last evaluated: 2024-05-13. Review status: criteria provided, single submitter. Criteria: GeneDx Variant Classification Process June 2021. Collection method: clinical testing. Allele origin: germline. Affected: yes.
Comment: In silico analysis supports that this missense variant has a deleterious effect on protein structure/function; Has not been previously published as pathogenic or benign to our knowledge

NM_001371986.1(UNC80):c.5929C>T (p.Arg1977Cys)

Gene: UNC80 (unc-80 homolog, NALCN channel complex subunit; plus strand). Cytogenetic location: 2q34.
Variant type: single nucleotide variant.
Coding change: c.5929C>T on transcript NM_001371986.1 (MANE Select); coding-DNA position 5929, C replaced by T.
Protein change: p.Arg1977Cys; replaces arginine 1977 with cysteine.
Molecular consequence: missense variant.
Genome position (GRCh38, 1-based): chr2:209,930,989, C>T. VCF-style: chr2-209930989-C-T. GRCh37 (hg19) VCF-style: chr2-210795713-C-T.
Other names: c.5731C>T, p.Arg1911Cys (NM_032504.2); c.5716C>T, p.Arg1906Cys (NM_182587.4); short protein forms R1906C, R1911C, R1977C.
Identifiers: ClinVar variation 3378199 (VCV003378199.1).